The following is an entry in ClinVar:

NM_015375.3(DSTYK):c.1385G>A (p.Arg462Gln)

Gene: DSTYK (dual serine/threonine and tyrosine protein kinase; minus strand). Cytogenetic location: 1q32.1.
Variant type: single nucleotide variant.
Coding change: c.1385G>A on transcript NM_015375.3 (MANE Select); coding-DNA position 1385, G replaced by A.
Protein change: p.Arg462Gln; replaces arginine 462 with glutamine.
Molecular consequence: missense variant.
Genome position (GRCh38, 1-based): chr1:205,163,895, C>T on the plus strand (G>A on the coding strand, the complement: DSTYK is on the minus strand). VCF-style: chr1-205163895-C-T. GRCh37 (hg19) VCF-style: chr1-205133023-C-T.
Other names: c.1385G>A, p.Arg462Gln (NM_199462.3); short protein forms R462Q.
Identifiers: ClinVar variation 4245179 (VCV004245179.2).

ClinVar aggregate classification (germline): Uncertain significance. Review status: criteria provided, multiple submitters, no conflicts (2 of 4 stars). 2 submissions from 2 submitters: Uncertain significance (2). Last evaluated 2026-01-21.

gnomAD v4.1: 18 of 1,614,046 alleles (0.0011%); highest among the groups gnomAD compares: South Asian, 0.0033%; no homozygotes.

Submissions (2):

Labcorp Genetics (formerly Invitae), Labcorp
Classification: Uncertain significance. Last evaluated: 2026-01-21. Review status: criteria provided, single submitter. Criteria: Invitae Variant Classification Sherloc (09022015). Collection method: clinical testing. Allele origin: germline.
Comment: This sequence change replaces arginine, which is basic and polar, with glutamine, which is neutral and polar, at codon 462 of the DSTYK protein (p.Arg462Gln). This variant is present in population databases (rs758359517, gnomAD 0.01%). This variant has not been reported in the literature in individuals affected with DSTYK-related conditions. ClinVar contains an entry for this variant (Variation ID: 4245179). An algorithm developed to predict the effect of missense changes on protein structure and function (PolyPhen-2) suggests that this variant is likely to be tolerated. In summary, the available evidence is currently insufficient to determine the role of this variant in disease. Therefore, it has been classified as a Variant of Uncertain Significance.

Ambry Genetics
Classification: Uncertain significance. Last evaluated: 2025-08-26. Review status: criteria provided, single submitter. Criteria: Ambry Variant Classification Scheme 2023. Collection method: clinical testing. Allele origin: germline.